The following is an entry in ClinVar:

ClinVar aggregate classification (germline): Uncertain significance (1 of 4 stars; one submission).

Conditions:
Hereditary cancer-predisposing syndrome. Also called: Hereditary neoplastic syndrome; Neoplastic Syndromes, Hereditary; Tumor predisposition; Hereditary Cancer Syndrome. Identifiers: Orphanet 140162, MedGen C0027672, MeSH D009386, MONDO:0015356.

Submission:

Ambry Genetics
Classification: Uncertain significance for Hereditary cancer-predisposing syndrome. Last evaluated: 2025-03-04. Review status: criteria provided, single submitter. Criteria: Ambry Variant Classification Scheme 2023. Collection method: clinical testing. Allele origin: germline.
Comment: The c.2792_2793delACinsGA variant, located in coding exon 24 of the TSC2 gene, results from an in-frame deletion of AC and insertion of GA at nucleotide positions 2792 to 2793. This results in the substitution of the aspartic acid residue for a glycine residue at codon 931, an amino acid with similar properties. This amino acid position is not well conserved in available vertebrate species. In addition, this alteration is predicted to be neutral by in silico analysis (Choi Y et al. PLoS ONE. 2012; 7(10):e46688). Based on the available evidence, the clinical significance of this variant remains unclear.

NM_000548.5(TSC2):c.2792_2793delinsGA (p.Asp931Gly)

Gene: TSC2 (TSC complex subunit 2; plus strand). Cytogenetic location: 16p13.3.
Variant type: Indel.
Coding change: c.2792_2793delinsGA on transcript NM_000548.5 (MANE Select); coding-DNA positions 2792 to 2793, AC replaced by GA.
Protein change: p.Asp931Gly; replaces aspartic acid 931 with glycine.
Molecular consequence: missense variant. On other transcripts: non-coding transcript variant (5).
Genome position (GRCh38, 1-based): chr16:2,076,540-2,076,541, AC replaced by GA. VCF-style: chr16-2076540-AC-GA. GRCh37 (hg19) VCF-style: chr16-2126541-AC-GA.
Other names: c.2792_2793delinsGA, p.Asp931Gly (NM_001077183.3, NM_001114382.3, NM_001363528.2 and 6 more transcripts); c.2681_2682delinsGA, p.Asp894Gly (NM_001318827.2, NM_001406670.1, NM_001406678.1); c.2645_2646delinsGA, p.Asp882Gly (NM_001318829.2, NM_001406675.1, NM_001406676.1 and 1 more transcripts); c.2192_2193delinsGA, p.Asp731Gly (NM_001318831.2, NM_001406680.1, NM_001406682.1 and 6 more transcripts); c.2825_2826delinsGA, p.Asp942Gly (NM_001318832.2); c.2882_2883delinsGA, p.Asp961Gly (NM_001406667.1, NM_001406668.1); c.2780_2781delinsGA, p.Asp927Gly (NM_001406671.1, NM_001406673.1); c.2735_2736delinsGA, p.Asp912Gly (NM_001406677.1); and 3 more; short protein forms D912G, D931G, D942G, D397G, D731G, D882G, D894G, D483G.
Identifiers: ClinVar variation 3811371 (VCV003811371.1).
Genomic context (GRCh38, chr16:2,076,540, plus strand): 5'-CACTCTGCCAGGGCCTGCGGTCCAATGTCCTCTTGTCTTTTGATGACACCCCCGAGAAGG[AC>GA]AGCTTCAGGGCCCGGAGTACTAGTCTCAACGAGAGACCCAAGAGGTACGGCCTGCGGGGG-3'
Protein context (NP_000539.2, residues 921-941): LLSFDDTPEK[Asp931Gly]SFRARSTSLN